The following is an entry in ClinVar:

ClinVar aggregate classification (germline): Uncertain significance (1 of 4 stars; one submission).

Conditions:
SCRIB-related disorder. Also called: SCRIB-related condition.

Submission:

PreventionGenetics, part of Exact Sciences
Classification: Uncertain significance for SCRIB-related condition. Last evaluated: 2023-02-15. Review status: criteria provided, single submitter. Criteria: ACMG Guidelines, 2015. Collection method: clinical testing. Allele origin: germline.
Comment: The SCRIB c.2386delG variant is predicted to result in a frameshift and premature protein termination (p.Ala796Profs*128). To our knowledge, this variant has not been reported in the literature or in a large population database, indicating this variant is rare. The significance of protein chain terminating variants in SCRIB is currently unclear. At this time, the clinical significance of this variant is uncertain due to the absence of conclusive functional and genetic evidence.

NM_182706.5(SCRIB):c.2386del (p.Ala796fs)

Gene: SCRIB (scribble planar cell polarity protein; minus strand). Cytogenetic location: 8q24.3.
Variant type: Deletion.
Coding change: c.2386del on transcript NM_182706.5 (MANE Select); coding-DNA position 2386, one base deleted (G; older notation c.2386delG).
Protein change: p.Ala796fs; shifts the reading frame from alanine 796.
Molecular consequence: frameshift variant.
Genome position (GRCh38, 1-based): chr8:143,805,396, C deleted on the plus strand (G on the coding strand, the reverse complement: SCRIB is on the minus strand); the first of 2 consecutive C bases (chr8:143,805,396-143,805,397); deleting either gives the same sequence. VCF-style (leftmost placement, unchanged base first): chr8-143805395-GC-G. GRCh37 (hg19) VCF-style: chr8-144887565-GC-G.
Other names: c.2386del, p.Ala796fs (NM_015356.5); short protein forms A796fs.
Identifiers: ClinVar variation 2630590 (VCV002630590.1), dbSNP rs2538801300, ClinGen allele CA2695201533.